The following is an entry in ClinVar:

ClinVar aggregate classification (germline): Uncertain significance. Review status: criteria provided, single submitter (1 of 4 stars). 2 submissions from 2 submitters: Uncertain significance (1). 1 of the submissions does not count toward it. Last evaluated 2025-02-19.

Conditions:
PKD1L1-related disorder. Also called: PKD1L1-related condition.
Inborn genetic diseases. Identifiers: MedGen C0950123, MeSH D030342.

Allele frequency attached by ClinVar (database versions not stated): 1000 Genomes Project 30x 0.00047; gnomAD 0.00048; TOPMed 0.00049; 1000 Genomes Project 0.00060; ESP Exome Variant Server 0.00077.
gnomAD v4.1: 193 of 1,614,134 alleles (0.012%); highest among the groups gnomAD compares: African/African-American, 0.22%; no homozygotes.

Submissions (2):

Ambry Genetics
Classification: Uncertain significance for Inborn genetic diseases. Last evaluated: 2025-02-19. Review status: criteria provided, single submitter. Criteria: Ambry Variant Classification Scheme 2023. Collection method: clinical testing. Allele origin: germline.

PreventionGenetics, part of Exact Sciences
Classification: Likely benign for PKD1L1-related condition. Last evaluated: 2021-11-02. Review status: no assertion criteria provided. Collection method: clinical testing. Allele origin: germline. Not counted in ClinVar's aggregate classification.
Comment: This variant is classified as likely benign based on ACMG/AMP sequence variant interpretation guidelines (Richards et al. 2015 PMID: 25741868, with internal and published modifications).

NM_138295.5(PKD1L1):c.7052C>T (p.Pro2351Leu)

Genes: PKD1L1 (polycystin 1 like 1, transient receptor potential channel interacting; minus strand), PKD1L1-AS1 (PKD1L1 antisense RNA 1; plus strand). Cytogenetic location: 7p12.3.
Variant type: single nucleotide variant.
Coding change: c.7052C>T on transcript NM_138295.5 (MANE Select); coding-DNA position 7052, C replaced by T.
Protein change: p.Pro2351Leu; replaces proline 2351 with leucine.
Molecular consequence: missense variant.
Genome position (GRCh38, 1-based): chr7:47,815,371, G>A on the plus strand (C>T on the coding strand, the complement: PKD1L1 is on the minus strand). VCF-style: chr7-47815371-G-A. GRCh37 (hg19) VCF-style: chr7-47854969-G-A.
Other names: short protein forms P2351L.
Identifiers: ClinVar variation 3049057 (VCV003049057.3), dbSNP rs138847904, ClinGen allele CA4252148.